The following is an entry in ClinVar:

NM_001128425.2(MUTYH):c.167G>A (p.Gly56Glu)

Gene: MUTYH (mutY DNA glycosylase; minus strand). Cytogenetic location: 1p34.1.
Variant type: single nucleotide variant.
Coding change: c.167G>A on transcript NM_001128425.2 (MANE Plus Clinical); coding-DNA position 167, G replaced by A.
Protein change: p.Gly56Glu; replaces glycine 56 with glutamic acid.
Molecular consequence: missense variant. On other transcripts: intron variant (10).
Genome position (GRCh38, 1-based): chr1:45,333,594, C>T on the plus strand (G>A on the coding strand, the complement: MUTYH is on the minus strand). VCF-style: chr1-45333594-C-T. GRCh37 (hg19) VCF-style: chr1-45799266-C-T.
Other names: c.116G>A, p.Gly39Glu (NM_001293191.2); c.158G>A, p.Gly53Glu (NM_012222.3); c.-92-97G>A (NM_001350651.2); c.-97-97G>A (NM_001293192.2, NM_001293196.2); c.-156-33G>A (NM_001350650.2); c.116-33G>A (NM_001048171.2, NM_001048173.2, NM_001048174.2 and 1 more transcripts); c.158-30G>A (NM_001293190.2); c.116-30G>A (NM_001048172.2); short protein forms G56E, G39E, G53E.
Identifiers: ClinVar variation 185629 (VCV000185629.34), dbSNP rs587781374, ClinGen allele CA011699.

ClinVar aggregate classification (germline): Uncertain significance. Review status: criteria provided, multiple submitters, no conflicts (2 of 4 stars). 11 submissions from 11 submitters: Uncertain significance (9). 2 of the submissions do not count toward it. Last evaluated 2026-06-25.

Conditions:
MUTYH-related disorder. Also called: MUTYH-related condition; MUTYH-related disorders.
Hereditary cancer-predisposing syndrome. Also called: Neoplastic Syndromes, Hereditary; Tumor predisposition; Hereditary neoplastic syndrome; Hereditary Cancer Syndrome. Identifiers: Orphanet 140162, MedGen C0027672, MeSH D009386, MONDO:0015356.
Familial adenomatous polyposis 2. Also called: MUTYH Polyposis; ADENOMAS, MULTIPLE COLORECTAL, AUTOSOMAL RECESSIVE; MYH-associated polyposis; FAP type 2; Adenomas, multiple colorectal; MUTYH-related attenuated familial adenomatous polyposis. Identifiers: Orphanet 220460, Orphanet 247798, MedGen C3272841, MONDO:0012041, OMIM 608456.

Allele frequency attached by ClinVar (database versions not stated): gnomAD 0.00001; TOPMed 0.00002.
gnomAD v4.1: 96 of 1,607,638 alleles (0.006%); highest among the groups gnomAD compares: Non-Finnish European, 0.0079%; no homozygotes.

Submissions (11):

PreventionGenetics, part of Exact Sciences
Classification: Uncertain significance for MUTYH-related condition. Last evaluated: 2026-06-25. Review status: criteria provided, single submitter. Criteria: ACMG Guidelines, 2015. Collection method: clinical testing. Allele origin: germline.
Comment: The MUTYH c.167G>A variant is predicted to result in the amino acid substitution p.Gly56Glu. To our knowledge, this variant has not been reported in the literature. This variant is reported in 0.0055% of alleles in individuals of European (Non-Finnish) descent in gnomAD and is classified as uncertain significance in ClinVar (Variation ID: 185629). At this time, the clinical significance of this variant is uncertain due to the absence of conclusive functional and genetic evidence.

Labcorp Genetics (formerly Invitae), Labcorp
Classification: Uncertain significance for Familial adenomatous polyposis 2. Last evaluated: 2026-01-11. Review status: criteria provided, single submitter. Criteria: Invitae Variant Classification Sherloc (09022015). Collection method: clinical testing. Allele origin: germline.
Comment: This sequence change replaces glycine, which is neutral and non-polar, with glutamic acid, which is acidic and polar, at codon 56 of the MUTYH protein (p.Gly56Glu). This variant is present in population databases (rs587781374, gnomAD 0.006%). This variant has not been reported in the literature in individuals affected with MUTYH-related conditions. ClinVar contains an entry for this variant (Variation ID: 185629). An algorithm developed to predict the effect of missense changes on protein structure and function (PolyPhen-2) suggests that this variant is likely to be tolerated. In summary, the available evidence is currently insufficient to determine the role of this variant in disease. Therefore, it has been classified as a Variant of Uncertain Significance.

Color Diagnostics, LLC DBA Color Health
Classification: Uncertain significance for Hereditary cancer-predisposing syndrome. Last evaluated: 2025-09-19. Review status: criteria provided, single submitter. Criteria: ACMG Guidelines, 2015. Collection method: clinical testing. Allele origin: germline.
Comment: This missense variant replaces glycine with glutamic acid at codon 56 of the MUTYH protein. Computational prediction suggests that this variant may not impact protein structure and function. To our knowledge, functional studies have not been reported for this variant. This variant has not been reported in individuals affected with MUTYH-related disorders in the literature. This variant has been identified in 8/274494 chromosomes in the general population by the Genome Aggregation Database (gnomAD). The available evidence is insufficient to determine the role of this variant in disease conclusively. Therefore, this variant is classified as a Variant of Uncertain Significance.

Women's Health and Genetics/Laboratory Corporation of America, LabCorp
Classification: Uncertain significance. Last evaluated: 2025-01-10. Review status: criteria provided, single submitter. Criteria: LabCorp Variant Classification Summary - May 2015. Collection method: clinical testing. Allele origin: germline.
Comment: Variant summary: MUTYH c.167G>A (p.Gly56Glu) results in a non-conservative amino acid change in the encoded protein sequence. Four of five in-silico tools predict a benign effect of the variant on protein function. The variant allele was found at a frequency of 2.8e-05 in 248342 control chromosomes. The available data on variant occurrences in the general population are insufficient to allow any conclusion about variant significance. c.167G>A has been reported in the literature without strong evidence for or against pathogenicity (examples: Barreiro_2022, Lu_2015). These report(s) do not provide unequivocal conclusions about association of the variant with MUTYH-Associated Polyposis. To our knowledge, no experimental evidence demonstrating an impact on protein function has been reported. The following publications have been ascertained in the context of this evaluation (PMID: 34816434, 26689913). ClinVar contains an entry for this variant (Variation ID: 185629). Based on the evidence outlined above, the variant was classified as uncertain significance.

Ambry Genetics
Classification: Uncertain significance for Hereditary cancer-predisposing syndrome. Last evaluated: 2024-11-21. Review status: criteria provided, single submitter. Criteria: Ambry Variant Classification Scheme 2023. Collection method: clinical testing. Allele origin: germline.
Comment: The p.G56E variant (also known as c.167G>A), located in coding exon 3 of the MUTYH gene, results from a G to A substitution at nucleotide position 167. The glycine at codon 56 is replaced by glutamic acid, an amino acid with similar properties. This amino acid position is not well conserved in available vertebrate species. In addition, this alteration is predicted to be tolerated by in silico analysis. Based on the available evidence, the clinical significance of this variant remains unclear.

GeneDx
Classification: Uncertain significance. Last evaluated: 2024-06-05. Review status: criteria provided, single submitter. Criteria: GeneDx Variant Classification Process June 2021. Collection method: clinical testing. Allele origin: germline. Affected: yes.
Comment: Not observed at significant frequency in large population cohorts (gnomAD); In silico analysis supports that this missense variant does not alter protein structure/function; Identified in individuals with breast cancer and in unaffected control(s) (PMID: 33471991); This variant is associated with the following publications: (PMID: 26689913, 33471991)

Baylor Genetics
Classification: Uncertain significance for Familial adenomatous polyposis 2. Last evaluated: 2024-02-21. Review status: criteria provided, single submitter. Criteria: ACMG Guidelines, 2015. Collection method: clinical testing. Allele origin: unknown.

All of Us Research Program, National Institutes of Health
Classification: Uncertain significance for Familial adenomatous polyposis 2. Last evaluated: 2023-12-18. Review status: criteria provided, single submitter. Criteria: ACMG Guidelines, 2015. Collection method: clinical testing. Allele origin: germline. Inheritance: Autosomal recessive inheritance. Observed: 6 variant alleles, 6 heterozygotes.
Comment: This missense variant replaces glycine with glutamic acid at codon 56 of the MUTYH protein. Computational prediction is inconclusive regarding the impact of this variant on protein structure and function (internally defined REVEL score threshold 0.5 < inconclusive < 0.7, PMID: 27666373). To our knowledge, functional studies have not been reported for this variant. This variant has not been reported in individuals affected with hereditary cancer in the literature. This variant has been identified in 8/274494 chromosomes in the general population by the Genome Aggregation Database (gnomAD). The available evidence is insufficient to determine the role of this variant in disease conclusively. Therefore, this variant is classified as a Variant of Uncertain Significance.

This study involves interpretation of variants in research participants for the purpose of population health screening. Participant phenotype was not available at the time of variant classification. Additional details can be found in publication PMID: 35346344, PMCID: PMC8962531

Sema4
Classification: Uncertain significance for Hereditary cancer-predisposing syndrome. Last evaluated: 2022-02-15. Review status: criteria provided, single submitter. Criteria: Sema4 Curation Guidelines. Collection method: curation. Allele origin: germline.
Comment: The MUTYH c.167G>A (p.G56E) variant has not been reported in the literature to our knowledge. It has been reported in a large case-control study of breast cancer in 8/60466 cases and 1/53461 controls (PMID: 33471991). It was observed in 7/127674 chromosomes of the Non-Finnish European (NFE) subpopulation in the large and broad cohorts of the Genome Aggregation Database (PMID: 32461654). This variant has been reported in ClinVar (Variation ID 185629). In silico tools suggest the impact of the variant on protein function is benign, though these predictions have not been confirmed by functional studies. The evidence is insufficient to meet ACMG/AMP criteria for classifying the variant as benign or pathogenic. Thus, the clinical significance of this variant is currently uncertain.

Counsyl
Classification: Uncertain significance for Familial adenomatous polyposis 2. Last evaluated: 2017-04-21. Review status: no assertion criteria provided. Collection method: clinical testing. Allele origin: unknown. Not counted in ClinVar's aggregate classification.

Department of Pathology and Laboratory Medicine, Sinai Health System
Classification: Uncertain significance. Review status: no assertion criteria provided. Collection method: clinical testing. Allele origin: unknown. Affected: yes. Study: The Canadian Open Genetics Repository (COGR). Not counted in ClinVar's aggregate classification.
Comment: The MUTYH p.G53E variant was not identified in the literature nor was it identified in LOVD 3.0, Cosmic or UMD-LSDB. The variant was identified in dbSNP (ID: rs587781374) and ClinVar (classified as uncertain significance by Counsyl, Ambry Genetics, GeneDx, Invitae and Color). The variant was identified in control databases in 8 of 279744 chromosomes at a frequency of 0.0000286 (Genome Aggregation Database March 6, 2019, v2.1.1). The variant was observed in the following populations: Other in 1 of 7162 chromosomes (freq: 0.00014) and European (non-Finnish) in 7 of 127674 chromosomes (freq: 0.000055), but was not observed in the African, Latino, Ashkenazi Jewish, East Asian, European (Finnish), or South Asian populations. The p.Gly53 residue is conserved in mammals but not in more distantly related organisms however four out of five computational analyses (PolyPhen-2, SIFT, AlignGVGD, BLOSUM, MutationTaster) do not suggest a high likelihood of impact to the protein; this information is not predictive enough to rule out pathogenicity. The p.Gly53 variant occurs in the first base of the exon; this position has been shown to be part of the splicing consensus sequence and variants involving this position sometimes affect splicing. However, in silico or computational prediction software programs (SpliceSiteFinder, MaxEntScan, NNSPLICE, GeneSplicer) do not predict a difference in splicing. In summary, based on the above information the clinical significance of this variant cannot be determined with certainty at this time. This variant is classified as a variant of uncertain significance.

Literature cited by the submitters: PubMed 26689913 (cited by Women's Health and Genetics/Laboratory Corporation of America, LabCorp); PubMed 34816434 (cited by Women's Health and Genetics/Laboratory Corporation of America, LabCorp); PubMed 33471991 (cited by Sema4).